The following is an entry in ClinVar:

NM_005573.4(LMNB1):c.1558T>C (p.Ser520Pro)

Gene: LMNB1 (lamin B1; plus strand). Cytogenetic location: 5q23.2.
Variant type: single nucleotide variant.
Coding change: c.1558T>C on transcript NM_005573.4 (MANE Select); coding-DNA position 1558, T replaced by C.
Protein change: p.Ser520Pro; replaces serine 520 with proline.
Molecular consequence: missense variant. On other transcripts: non-coding transcript variant (2).
Genome position (GRCh38, 1-based): chr5:126,826,054, T>C. VCF-style: chr5-126826054-T-C. GRCh37 (hg19) VCF-style: chr5-126161746-T-C.
Other names: c.928T>C, p.Ser310Pro (NM_001198557.2); short protein forms S520P, S310P.
Identifiers: ClinVar variation 3697788 (VCV003697788.2).

ClinVar aggregate classification (germline): Uncertain significance (1 of 4 stars; one submission).

gnomAD v4.1: 2 of 1,614,080 alleles (0.00012%); highest among the groups gnomAD compares: Non-Finnish European, 0.00017%; no homozygotes.

Submission:

Labcorp Genetics (formerly Invitae), Labcorp
Classification: Uncertain significance. Last evaluated: 2024-08-27. Review status: criteria provided, single submitter. Criteria: Invitae Variant Classification Sherloc (09022015). Collection method: clinical testing. Allele origin: germline.
Comment: This sequence change replaces serine, which is neutral and polar, with proline, which is neutral and non-polar, at codon 520 of the LMNB1 protein (p.Ser520Pro). This variant is not present in population databases (gnomAD no frequency). This variant has not been reported in the literature in individuals affected with LMNB1-related conditions. Invitae Evidence Modeling of protein sequence and biophysical properties (such as structural, functional, and spatial information, amino acid conservation, physicochemical variation, residue mobility, and thermodynamic stability) indicates that this missense variant is expected to disrupt LMNB1 protein function with a positive predictive value of 80%. In summary, the available evidence is currently insufficient to determine the role of this variant in disease. Therefore, it has been classified as a Variant of Uncertain Significance.